The following is an entry in ClinVar:

NM_000360.4(TH):c.1163A>G (p.Tyr388Cys)

Gene: TH (tyrosine hydroxylase; minus strand). Cytogenetic location: 11p15.5.
Variant type: single nucleotide variant.
Coding change: c.1163A>G on transcript NM_000360.4 (MANE Select); coding-DNA position 1163, A replaced by G.
Protein change: p.Tyr388Cys; replaces tyrosine 388 with cysteine.
Molecular consequence: missense variant.
Genome position (GRCh38, 1-based): chr11:2,165,705, T>C on the plus strand (A>G on the coding strand, the complement: TH is on the minus strand). VCF-style: chr11-2165705-T-C. GRCh37 (hg19) VCF-style: chr11-2186935-T-C.
Other names: c.1175A>G, p.Tyr392Cys (NM_001440535.1); c.893A>G, p.Tyr298Cys (NM_001440536.1); c.881A>G, p.Tyr294Cys (NM_001440537.1); c.1256A>G, p.Tyr419Cys (NM_199292.3); c.1244A>G, p.Tyr415Cys (NM_199293.3); short protein forms Y294C, Y298C, Y388C, Y392C, Y415C, Y419C.
Identifiers: ClinVar variation 4076748 (VCV004076748.1).

ClinVar aggregate classification (germline): Uncertain significance (1 of 4 stars; one submission).

gnomAD v4.1: 3 of 1,612,528 alleles (0.00019%); highest among the groups gnomAD compares: African/African-American, 0.004%; no homozygotes.

Submission:

GeneDx
Classification: Uncertain significance. Last evaluated: 2025-02-18. Review status: criteria provided, single submitter. Criteria: GeneDx Variant Classification Process June 2021. Collection method: clinical testing. Allele origin: germline. Affected: yes.
Comment: Not observed at significant frequency in large population cohorts (gnomAD); In silico analysis supports that this missense variant has a deleterious effect on protein structure/function; Has not been previously published as pathogenic or benign to our knowledge